The following is an entry in ClinVar:

ClinVar aggregate classification (germline): Uncertain significance. Review status: criteria provided, single submitter (1 of 4 stars). 2 submissions from 2 submitters: Uncertain significance (1). 1 of the submissions does not count toward it. Last evaluated 2025-06-29.

Conditions:
Cardiomyopathy (CMYO). Also called: Cardiomyopathies. Identifiers: Orphanet 167848, MedGen C0878544, MONDO:0004994, HP:0001638. Inheritance: Various modes of inheritance.
MYBPC3-related disorder. Also called: MYBPC3-related condition; MYBPC3-related disease; MYBPC3-related disorders.

Submissions (2):

Color Diagnostics, LLC DBA Color Health
Classification: Uncertain significance for Cardiomyopathy. Last evaluated: 2025-06-29. Review status: criteria provided, single submitter. Criteria: ACMG Guidelines, 2015. Collection method: clinical testing. Allele origin: germline.
Comment: This missense variant replaces isoleucine with valine at codon 983 of the MYBPC3 protein. Computational prediction suggests that this variant may not impact protein structure and function. To our knowledge, functional studies have not been reported for this variant. This variant has not been reported in individuals affected with MYBPC3-related disorders in the literature. This variant has not been identified in the general population by the Genome Aggregation Database (gnomAD). The available evidence is insufficient to determine the role of this variant in disease conclusively. Therefore, this variant is classified as a Variant of Uncertain Significance.

PreventionGenetics, part of Exact Sciences
Classification: Uncertain significance for MYBPC3-related condition. Last evaluated: 2024-07-17. Review status: no assertion criteria provided. Collection method: clinical testing. Allele origin: germline. Not counted in ClinVar's aggregate classification.
Comment: The MYBPC3 c.2947A>G variant is predicted to result in the amino acid substitution p.Ile983Val. To our knowledge, this variant has not been reported in the literature or in a large population database, indicating this variant is rare. At this time, the clinical significance of this variant is uncertain due to the absence of conclusive functional and genetic evidence.

NM_000256.3(MYBPC3):c.2947A>G (p.Ile983Val)

Gene: MYBPC3 (myosin binding protein C3; minus strand). Cytogenetic location: 11p11.2.
Variant type: single nucleotide variant.
Coding change: c.2947A>G on transcript NM_000256.3 (MANE Select); coding-DNA position 2947, A replaced by G.
Protein change: p.Ile983Val; replaces isoleucine 983 with valine.
Molecular consequence: missense variant.
Genome position (GRCh38, 1-based): chr11:47,333,969, T>C on the plus strand (A>G on the coding strand, the complement: MYBPC3 is on the minus strand). VCF-style: chr11-47333969-T-C. GRCh37 (hg19) VCF-style: chr11-47355520-T-C.
Other names: short protein forms I983V.
Identifiers: ClinVar variation 3345327 (VCV003345327.2).